The following is an entry in ClinVar:

NM_017514.5(PLXNA3):c.4001G>A (p.Gly1334Glu)

Gene: PLXNA3 (plexin A3; plus strand). Cytogenetic location: Xq28.
Variant type: single nucleotide variant.
Coding change: c.4001G>A on transcript NM_017514.5 (MANE Select); coding-DNA position 4001, G replaced by A.
Protein change: p.Gly1334Glu; replaces glycine 1334 with glutamic acid.
Molecular consequence: missense variant.
Genome position (GRCh38, 1-based): chrX:154,468,340, G>A. VCF-style: chrX-154468340-G-A. GRCh37 (hg19) VCF-style: chrX-153696683-G-A.
Other names: short protein forms G1334E.
Identifiers: ClinVar variation 769191 (VCV000769191.6), dbSNP rs79671454, ClinGen allele CA10564781.
Genomic context (GRCh38, chrX:154,468,340, plus strand): 5'-CTGAGACCTCCTGCTCCCCACAGACGCCACCCAACGTGGAGAAGGCCCTGCGCCTCTTCG[G>A]GCAGCTGCTGCACAGCCGCGCGTTCGTGCTTACCTTCATCCACACGCTGGAGGCCCAGAG-3'
Protein context (NP_059984.3, residues 1324-1344): PNVEKALRLF[Gly1334Glu]QLLHSRAFVL

ClinVar aggregate classification (germline): Benign. Review status: criteria provided, single submitter (1 of 4 stars). 2 submissions from 2 submitters: Benign (1). 1 of the submissions does not count toward it. Last evaluated 2019-12-31.

Conditions:
PLXNA3-related disorder. Also called: PLXNA3-related condition.

Allele frequency attached by ClinVar (database versions not stated): gnomAD exomes 0.00091 and 0.00250; ExAC 0.00309; 1000 Genomes Project 30x 0.00728; 1000 Genomes Project 0.00795; gnomAD 0.00841 and 0.00916; TOPMed 0.00974; ESP Exome Variant Server 0.01052.
gnomAD v4.1: 1,958 of 1,207,204 alleles (0.16%); highest among the groups gnomAD compares: African/African-American, 3.1%; 18 homozygotes.

Submissions (2):

Labcorp Genetics (formerly Invitae), Labcorp
Classification: Benign. Last evaluated: 2019-12-31. Review status: criteria provided, single submitter. Criteria: Invitae Variant Classification Sherloc (09022015). Collection method: clinical testing. Allele origin: germline.

PreventionGenetics, part of Exact Sciences
Classification: Benign for PLXNA3-related condition. Last evaluated: 2019-11-14. Review status: no assertion criteria provided. Collection method: clinical testing. Allele origin: germline. Not counted in ClinVar's aggregate classification.
Comment: This variant is classified as benign based on ACMG/AMP sequence variant interpretation guidelines (Richards et al. 2015 PMID: 25741868, with internal and published modifications).